The following is an entry in ClinVar:

NM_000368.5(TSC1):c.816A>G (p.Glu272=)

Gene: TSC1 (TSC complex subunit 1; minus strand). Cytogenetic location: 9q34.13.
Variant type: single nucleotide variant.
Coding change: c.816A>G on transcript NM_000368.5 (MANE Select); coding-DNA position 816, A replaced by G.
Protein change: p.Glu272=; no amino-acid change (glutamic acid 272 retained).
Molecular consequence: synonymous variant.
Genome position (GRCh38, 1-based): chr9:132,912,379, T>C on the plus strand (A>G on the coding strand, the complement: TSC1 is on the minus strand). VCF-style: chr9-132912379-T-C. GRCh37 (hg19) VCF-style: chr9-135787766-T-C.
Other names: c.816A>G, p.Glu272= (NM_001162426.2); c.663A>G, p.Glu221= (NM_001162427.2); c.453A>G, p.Glu151= (NM_001362177.2).
Identifiers: ClinVar variation 1573580 (VCV001573580.11), dbSNP rs2132001195, ClinGen allele CA467593577.

ClinVar aggregate classification (germline): Benign/Likely benign. Review status: criteria provided, multiple submitters, no conflicts (2 of 4 stars). 3 submissions from 3 submitters: Benign (1); Likely benign (2). Last evaluated 2025-12-21.

Conditions:
Tuberous sclerosis 1 (TSC1). Identifiers: Orphanet 805, MedGen C1854465, MONDO:0008612, OMIM 191100.
Hereditary cancer-predisposing syndrome. Also called: Neoplastic Syndromes, Hereditary; Tumor predisposition; Hereditary Cancer Syndrome; Hereditary neoplastic syndrome. Identifiers: Orphanet 140162, MedGen C0027672, MeSH D009386, MONDO:0015356.

Allele frequency attached by ClinVar (database versions not stated): gnomAD exomes below 0.00001.

Submissions (3):

Labcorp Genetics (formerly Invitae), Labcorp
Classification: Likely benign for Tuberous sclerosis 1. Last evaluated: 2025-12-21. Review status: criteria provided, single submitter. Criteria: Invitae Variant Classification Sherloc (09022015). Collection method: clinical testing. Allele origin: germline.

Myriad Genetics, Inc.
Classification: Benign for Tuberous sclerosis 1. Last evaluated: 2025-04-08. Review status: criteria provided, single submitter. Criteria: Myriad Autosomal Dominant, Autosomal Recessive and X-Linked Classification Criteria (2023). Collection method: clinical testing. Allele origin: unknown.
Comment: This variant is considered benign. This variant is a silent/synonymous amino acid change and it is not expected to impact splicing.

Ambry Genetics
Classification: Likely benign for Hereditary cancer-predisposing syndrome. Last evaluated: 2022-08-29. Review status: criteria provided, single submitter. Criteria: Ambry Variant Classification Scheme 2023. Collection method: clinical testing. Allele origin: germline.